The following is an entry in ClinVar:

NM_012205.3(HAAO):c.144C>T (p.Ile48=)

Gene: HAAO (3-hydroxyanthranilate 3,4-dioxygenase; minus strand). Cytogenetic location: 2p21.
Variant type: single nucleotide variant.
Coding change: c.144C>T on transcript NM_012205.3 (MANE Select); coding-DNA position 144, C replaced by T.
Protein change: p.Ile48=; no amino-acid change (isoleucine 48 retained).
Molecular consequence: synonymous variant.
Genome position (GRCh38, 1-based): chr2:42,788,544, G>A on the plus strand (C>T on the coding strand, the complement: HAAO is on the minus strand). VCF-style: chr2-42788544-G-A. GRCh37 (hg19) VCF-style: chr2-43015684-G-A.
Identifiers: ClinVar variation 3040072 (VCV003040072.2), dbSNP rs140941826, ClinGen allele CA1631137.

ClinVar aggregate classification (germline): Benign (0 of 4 stars; one submission).

Conditions:
HAAO-related disorder. Also called: HAAO-related condition.

Allele frequency attached by ClinVar (database versions not stated): gnomAD 0.00421; TOPMed 0.00451; ESP Exome Variant Server 0.00484; 1000 Genomes Project 30x 0.00500; 1000 Genomes Project 0.00539.
gnomAD v4.1: 1,168 of 1,604,588 alleles (0.073%); highest among the groups gnomAD compares: African/African-American, 1.4%; 8 homozygotes.

Submission:

PreventionGenetics, part of Exact Sciences
Classification: Benign for HAAO-related condition. Last evaluated: 2019-09-10. Review status: no assertion criteria provided. Collection method: clinical testing. Allele origin: germline.
Comment: This variant is classified as benign based on ACMG/AMP sequence variant interpretation guidelines (Richards et al. 2015 PMID: 25741868, with internal and published modifications).